The following is an entry in ClinVar:

NM_032833.5(PPP1R15B):c.217C>T (p.Pro73Ser)

Gene: PPP1R15B (protein phosphatase 1 regulatory subunit 15B; minus strand). Cytogenetic location: 1q32.1.
Variant type: single nucleotide variant.
Coding change: c.217C>T on transcript NM_032833.5 (MANE Select); coding-DNA position 217, C replaced by T.
Protein change: p.Pro73Ser; replaces proline 73 with serine.
Molecular consequence: missense variant.
Genome position (GRCh38, 1-based): chr1:204,411,195, G>A on the plus strand (C>T on the coding strand, the complement: PPP1R15B is on the minus strand). VCF-style: chr1-204411195-G-A. GRCh37 (hg19) VCF-style: chr1-204380323-G-A.
Other names: short protein forms P73S.
Identifiers: ClinVar variation 2579631 (VCV002579631.3), dbSNP rs769326823, ClinGen allele CA1346867.

ClinVar aggregate classification (germline): Uncertain significance. Review status: criteria provided, multiple submitters, no conflicts (2 of 4 stars). 2 submissions from 2 submitters: Uncertain significance (2). Last evaluated 2026-08-05.

Allele frequency attached by ClinVar (database versions not stated): ExAC 0.00001; gnomAD exomes 0.00001; gnomAD 0.00004; TOPMed 0.00006.
gnomAD v4.1: 15 of 1,614,112 alleles (0.00093%); highest among the groups gnomAD compares: African/African-American, 0.02%; no homozygotes.

Submissions (2):

GeneDx
Classification: Uncertain significance. Last evaluated: 2026-08-05. Review status: criteria provided, single submitter. Criteria: GeneDx Variant Classification Process June 2021. Collection method: clinical testing. Allele origin: germline.
Comment: In silico analysis supports that this missense variant has a deleterious effect on protein structure/function; Has not been previously published as pathogenic or benign to our knowledge

Labcorp Genetics (formerly Invitae), Labcorp
Classification: Uncertain significance. Last evaluated: 2025-06-29. Review status: criteria provided, single submitter. Criteria: Invitae Variant Classification Sherloc (09022015). Collection method: clinical testing. Allele origin: germline.
Comment: This sequence change replaces proline, which is neutral and non-polar, with serine, which is neutral and polar, at codon 73 of the PPP1R15B protein (p.Pro73Ser). This variant is present in population databases (rs769326823, gnomAD 0.02%). This variant has not been reported in the literature in individuals affected with PPP1R15B-related conditions. ClinVar contains an entry for this variant (Variation ID: 2579631). Invitae Evidence Modeling of protein sequence and biophysical properties (such as structural, functional, and spatial information, amino acid conservation, physicochemical variation, residue mobility, and thermodynamic stability) indicates that this missense variant is expected to disrupt PPP1R15B protein function with a positive predictive value of 80%. In summary, the available evidence is currently insufficient to determine the role of this variant in disease. Therefore, it has been classified as a Variant of Uncertain Significance.